The following is an entry in ClinVar:

NM_000038.6(APC):c.4770A>T (p.Lys1590Asn)

Gene: APC (APC regulator of Wnt signaling pathway; plus strand). Cytogenetic location: 5q22.2.
Variant type: single nucleotide variant.
Coding change: c.4770A>T on transcript NM_000038.6 (MANE Select); coding-DNA position 4770, A replaced by T.
Protein change: p.Lys1590Asn; replaces lysine 1590 with asparagine.
Molecular consequence: missense variant. On other transcripts: non-coding transcript variant (2).
Genome position (GRCh38, 1-based): chr5:112,840,364, A>T. VCF-style: chr5-112840364-A-T. GRCh37 (hg19) VCF-style: chr5-112176061-A-T.
Other names: c.4770A>T, p.Lys1590Asn (NM_001127510.3, NM_001354895.2, NM_001407450.1); c.4716A>T, p.Lys1572Asn (NM_001127511.3); c.4824A>T, p.Lys1608Asn (NM_001354896.2, NM_001407447.1, NM_001407448.1 and 1 more transcripts); c.4800A>T, p.Lys1600Asn (NM_001354897.2); c.4695A>T, p.Lys1565Asn (NM_001354898.2); c.4686A>T, p.Lys1562Asn (NM_001354899.2); c.4647A>T, p.Lys1549Asn (NM_001354900.2); c.4593A>T, p.Lys1531Asn (NM_001354901.2, NM_001407453.1); and 11 more; short protein forms K1307N, K1464N, K1549N, K1562N, K1572N, K1583N, K1590N, K1600N.
Identifiers: ClinVar variation 3881606 (VCV003881606.1).

ClinVar aggregate classification (germline): Uncertain significance (1 of 4 stars; one submission).

Conditions:
Hereditary cancer-predisposing syndrome. Also called: Tumor predisposition; Neoplastic Syndromes, Hereditary; Hereditary Cancer Syndrome; Hereditary neoplastic syndrome. Identifiers: Orphanet 140162, MedGen C0027672, MeSH D009386, MONDO:0015356.

Submission:

Ambry Genetics
Classification: Uncertain significance for Hereditary cancer-predisposing syndrome. Last evaluated: 2025-01-08. Review status: criteria provided, single submitter. Criteria: Ambry Variant Classification Scheme 2023. Collection method: clinical testing. Allele origin: germline.
Comment: The p.K1590N variant (also known as c.4770A>T), located in coding exon 15 of the APC gene, results from an A to T substitution at nucleotide position 4770. The lysine at codon 1590 is replaced by asparagine, an amino acid with similar properties. This amino acid position is conserved. In addition, in silico predictors for this gene do not accurately predict pathogenicity. Based on the available evidence, the clinical significance of this variant remains unclear.